The following is an entry in ClinVar:

ClinVar aggregate classification (germline): Uncertain significance (1 of 4 stars; one submission).

Submission:

Ambry Genetics
Classification: Uncertain significance. Last evaluated: 2025-04-11. Review status: criteria provided, single submitter. Criteria: Ambry Variant Classification Scheme 2023. Collection method: clinical testing. Allele origin: germline.
Comment: The p.Q953E variant (also known as c.2857C>G), located in coding exon 11 of the WNK2 gene, results from a C to G substitution at nucleotide position 2857. The glutamine at codon 953 is replaced by glutamic acid, an amino acid with highly similar properties. This amino acid position is conserved. In addition, this alteration is predicted to be tolerated by in silico analysis. Based on the available evidence, the clinical significance of this variant remains unclear.

NM_006648.4(WNK2):c.2857C>G (p.Gln953Glu)

Gene: WNK2 (WNK lysine deficient protein kinase 2; plus strand). Cytogenetic location: 9q22.31.
Variant type: single nucleotide variant.
Coding change: c.2857C>G on transcript NM_006648.4 (MANE Select); coding-DNA position 2857, C replaced by G.
Protein change: p.Gln953Glu; replaces glutamine 953 with glutamic acid.
Molecular consequence: missense variant.
Genome position (GRCh38, 1-based): chr9:93,259,405, C>G. VCF-style: chr9-93259405-C-G. GRCh37 (hg19) VCF-style: chr9-96021687-C-G.
Other names: c.2857C>G, p.Gln953Glu (NM_001282394.3); short protein forms Q953E.
Identifiers: ClinVar variation 3981855 (VCV003981855.1).